The following is an entry in ClinVar:

ClinVar aggregate classification (germline): Uncertain significance (1 of 4 stars; one submission).

Submission:

CeGaT Center for Human Genetics Tuebingen
Classification: Uncertain significance. Last evaluated: 2026-06-01. Review status: criteria provided, single submitter. Criteria: CeGaT Center For Human Genetics Tuebingen Variant Classification Criteria Version 2. Collection method: clinical testing. Allele origin: germline. Affected: yes. Observed: 1 variant allele.
Comment: ANK3: PM2, BP4

NM_020987.5(ANK3):c.11711C>A (p.Ser3904Tyr)

Gene: ANK3 (ankyrin 3; minus strand). Cytogenetic location: 10q21.2.
Variant type: single nucleotide variant.
Coding change: c.11711C>A on transcript NM_020987.5 (MANE Select); coding-DNA position 11711, C replaced by A.
Protein change: p.Ser3904Tyr; replaces serine 3904 with tyrosine.
Molecular consequence: missense variant. On other transcripts: intron variant (4).
Genome position (GRCh38, 1-based): chr10:60,069,170, G>T on the plus strand (C>A on the coding strand, the complement: ANK3 is on the minus strand). VCF-style: chr10-60069170-G-T. GRCh37 (hg19) VCF-style: chr10-61828928-G-T.
Other names: c.4388-1161C>A (NM_001204403.2); c.4409-1161C>A (NM_001204404.2); c.4406-1161C>A (NM_001320874.2); c.1808-1161C>A (NM_001149.4); short protein forms S3904Y.
Identifiers: ClinVar variation 4875362 (VCV004875362.2).